The following is an entry in ClinVar:

NM_031892.3(SH3KBP1):c.1872G>C (p.Glu624Asp)

Gene: SH3KBP1 (SH3 domain containing kinase binding protein 1; minus strand). Cytogenetic location: Xp22.12.
Variant type: single nucleotide variant.
Coding change: c.1872G>C on transcript NM_031892.3 (MANE Select); coding-DNA position 1872, G replaced by C.
Protein change: p.Glu624Asp; replaces glutamic acid 624 with aspartic acid.
Molecular consequence: missense variant.
Genome position (GRCh38, 1-based): chrX:19,541,945, C>G on the plus strand (G>C on the coding strand, the complement: SH3KBP1 is on the minus strand). VCF-style: chrX-19541945-C-G. GRCh37 (hg19) VCF-style: chrX-19560063-C-G.
Other names: c.1761G>C, p.Glu587Asp (NM_001024666.3); c.1158G>C, p.Glu386Asp (NM_001184960.2); c.1743G>C, p.Glu581Asp (NM_001353890.2); c.1947G>C, p.Glu649Asp (NM_001353891.2); c.1818G>C, p.Glu606Asp (NM_001353892.2); c.1770G>C, p.Glu590Asp (NM_001353893.2); c.1641G>C, p.Glu547Asp (NM_001353894.2); c.1698G>C, p.Glu566Asp (NM_001353895.2); and 4 more; short protein forms E547D, E566D, E343D, E386D, E587D, E624D, E581D, E522D.
Identifiers: ClinVar variation 3647088 (VCV003647088.2).
Genomic context (GRCh38, chrX:19,541,945, plus strand): 5'-CAACCTGGGTGACGGCCCCCAAGAGTCCCCAGGCACTCACTTCTGCTGGTCCTTCATGGT[C>G]TCGATGATGCTCCTCAGCTCGCGGACCTGTGTCCTTAGCTCCTCCACGGCCGCCTGGCTG-3'
Protein context (NP_114098.1, residues 614-634): TQVRELRSII[Glu624Asp]TMKDQQKREI

ClinVar aggregate classification (germline): Uncertain significance (1 of 4 stars; one submission).

Submission:

Labcorp Genetics (formerly Invitae), Labcorp
Classification: Uncertain significance. Last evaluated: 2024-05-09. Review status: criteria provided, single submitter. Criteria: Invitae Variant Classification Sherloc (09022015). Collection method: clinical testing. Allele origin: germline.
Comment: This sequence change replaces glutamic acid, which is acidic and polar, with aspartic acid, which is acidic and polar, at codon 624 of the SH3KBP1 protein (p.Glu624Asp). This variant is not present in population databases (gnomAD no frequency). This variant has not been reported in the literature in individuals affected with SH3KBP1-related conditions. Advanced modeling of protein sequence and biophysical properties (such as structural, functional, and spatial information, amino acid conservation, physicochemical variation, residue mobility, and thermodynamic stability) performed at Invitae indicates that this missense variant is not expected to disrupt SH3KBP1 protein function with a negative predictive value of 80%. In summary, the available evidence is currently insufficient to determine the role of this variant in disease. Therefore, it has been classified as a Variant of Uncertain Significance.